The following is an entry in ClinVar:

ClinVar aggregate classification (germline): Pathogenic (0 of 4 stars; one submission).

Conditions:
Mosaic Tetrasomy 9p.

Submission:

Senior Department of Obstetrics and Gynecology, Chinese PLA General Hospital
Classification: Pathogenic for Mosaic Tetrasomy 9p. Last evaluated: 2025-11-30. Review status: no assertion criteria provided. Collection method: clinical testing. Allele origin: somatic. Affected: yes.
Comment: There is a low proportion of 38.5Mb fragment of the 9p24.3p13.1 region on chromosome 9, containing 176 RefSeq protein-coding genes such as SMARCA2 (600014) and TEK (600221). The heterozygous mutation of the SMARCA2 gene is associated with the autosomal dominant genetic disorder Nicolaides-Baraitser syndrome (Nicolaides-Baraitser syndrome), with clinical manifestations including facial abnormalities, short stature, intellectual disability, early-onset epilepsy, etc. The heterozygous mutation of the TEK gene is associated with the autosomal dominant genetic disorder multiple cutaneous and mucosal venous malformations (Venous malformations, multiple cutaneous and mucosal), with clinical manifestations including oral and digestive tract mucosal bleeding, etc. The ClinGen database has not reported evidence of triploidy sensitivity for this fragment and the genes it contains. In the DECIPHER database, case reports of less than the repeat of this fragment and related clinical phenotypes such as cognitive function impairment, autism (Patient: 292636, Pathogenic), proportional short stature, hypothyroidism, language development delay, intellectual disability, ptosis of the upper eyelid, brachydactyly (phalangeal hypoplasia), low-set ears, visual impairment, autism, aggressive behavior (Patient: 401649, Likely pathogenic), and global developmental delay (Patient: 303256, Likely pathogenic) were retrieved. Previous studies have reported the detection of trisomy of the short arm of chromosome 9 in patients with clinical phenotypes such as facial abnormalities, microcephaly, psychomotor retardation, short stature, skeletal dysplasia, etc. There have also been reports of the detection of a 21.6Mb fragment repeat in the 9p24.2p21.3 region of chromosome 9 in patients with clinical phenotypes such as craniofacial abnormalities, developmental delay, intellectual disability, Dandy-Walker malformation, etc. The clinical phenotypes and severity of the patients may vary depending on the proportion of abnormal cells and their different distributions in tissues.

Literature cited by the submitters: DOI 10.3389/fgene.2022.1020525.

GRCh37/hg19 9p24.3-13.1(chr9:208455-38787478)x4

Genes: DOCK8-AS1 (DOCK8 antisense RNA 1; minus strand), ELAVL2 (ELAV like RNA binding protein 2; minus strand), ENHO (energy homeostasis associated; minus strand), EQTN (equatorin; minus strand), ERMP1 (endoplasmic reticulum metallopeptidase 1; minus strand) and 191 more. Cytogenetic location: 9p24.3-13.1.
Variant type: copy number gain.
Change: copy number 4 of chr9:208,455-38,787,478 (38.58 Mb, GRCh37 coordinates, 1-based), cytogenetic band 9p24.3-13.1.
Identifiers: ClinVar variation 4688042 (VCV004688042.1).